The following is an entry in ClinVar:

NM_001354604.2(MITF):c.355-8A>G

Gene: MITF (melanocyte inducing transcription factor; plus strand). Cytogenetic location: 3p13.
Variant type: single nucleotide variant.
Coding change: c.355-8A>G on transcript NM_001354604.2 (MANE Select); 8 bases into the intron before coding-DNA position 355, A replaced by G.
Molecular consequence: intron variant.
Genome position (GRCh38, 1-based): chr3:69,937,814, A>G. VCF-style: chr3-69937814-A-G. GRCh37 (hg19) VCF-style: chr3-69986965-A-G.
Other names: c.304-8A>G (NM_001354607.2); c.199-8A>G (NM_001354608.2, NM_001184967.2); c.355-8A>G (NM_198159.3); c.352-8A>G (NM_001354605.2, NM_001354606.2, NM_006722.3); c.307-8A>G (NM_198177.3); c.34-8A>G (NM_000248.4, NM_198158.3, NM_198178.3 and 1 more transcripts).
Identifiers: ClinVar variation 228856 (VCV000228856.7), dbSNP rs876657867, ClinGen allele CA10576631.

ClinVar aggregate classification (germline): Conflicting classifications of pathogenicity. Review status: criteria provided, conflicting classifications (1 of 4 stars). 2 submissions from 2 submitters: Uncertain significance (1); Likely benign (1). Last evaluated 2026-01-13.

Conditions:
Waardenburg syndrome type 2A (WS2A). Also called: WAARDENBURG SYNDROME WITHOUT DYSTOPIA CANTHORUM. Identifiers: Orphanet 3440, MedGen C1860339, MONDO:0008671, OMIM 193510.
Melanoma, cutaneous malignant, susceptibility to, 8. Also called: MELANOMA AND RENAL CELL CARCINOMA, SUSCEPTIBILITY TO; Cutaneous malignant melanoma 8. Identifiers: Orphanet 293822, MedGen C3152204, MONDO:0013759, OMIM 614456.
Tietz syndrome (TADS). Also called: TIETZ ALBINISM-DEAFNESS SYNDROME; ALBINISM-DEAFNESS OF TIETZ; HYPOPIGMENTATION/DEAFNESS OF TIETZ. Identifiers: Orphanet 42665, MedGen C0391816, MONDO:0007077, OMIM 103500.

Allele frequency attached by ClinVar (database versions not stated): gnomAD 0.00001; gnomAD exomes 0.00001 and 0.00002; TOPMed 0.00001.
gnomAD v4.1: 21 of 1,612,308 alleles (0.0013%); highest among the groups gnomAD compares: Admixed American, 0.0017%; no homozygotes.

Submissions (2):

Labcorp Genetics (formerly Invitae), Labcorp
Classification: Likely benign for Melanoma, cutaneous malignant, susceptibility to, 8; Waardenburg syndrome type 2A; Tietz syndrome. Last evaluated: 2026-01-13. Review status: criteria provided, single submitter. Criteria: Invitae Variant Classification Sherloc (09022015). Collection method: clinical testing. Allele origin: germline.

Laboratory for Molecular Medicine, Mass General Brigham Personalized Medicine
Classification: Uncertain significance. Last evaluated: 2015-08-18. Review status: criteria provided, single submitter. Criteria: LMM Criteria. Collection method: clinical testing. Allele origin: germline. Observed: 1 variant allele.
Comment: The c.355-8A>G variant in MITF has not been previously reported in individuals w ith hearing loss or in large population studies. This variant is located in the 3' splice region. Computational tools do not suggest an impact to splicing. Howe ver, this information is not predictive enough to rule out pathogenicity. In sum mary, the clinical significance of the c.355-8A>G variant is uncertain.